The following is an entry in ClinVar:

NM_152783.5(D2HGDH):c.1306+6C>T

Gene: D2HGDH (D-2-hydroxyglutarate dehydrogenase; plus strand). Cytogenetic location: 2q37.3.
Variant type: single nucleotide variant.
Coding change: c.1306+6C>T on transcript NM_152783.5 (MANE Select); 6 bases into the intron after coding-DNA position 1306, C replaced by T.
Molecular consequence: intron variant.
Genome position (GRCh38, 1-based): chr2:241,756,020, C>T. VCF-style: chr2-241756020-C-T. GRCh37 (hg19) VCF-style: chr2-242695435-C-T.
Other names: c.745+6C>T (NM_001352824.2); c.904+6C>T (NM_001287249.2).
Identifiers: ClinVar variation 4752211 (VCV004752211.1).

ClinVar aggregate classification (germline): Uncertain significance (1 of 4 stars; one submission).

Conditions:
D-2-hydroxyglutaric aciduria 1 (D2HGA1). Identifiers: Orphanet 79315, MedGen C3152055, MONDO:0024554, OMIM 600721.

gnomAD v4.1: 55 of 1,593,326 alleles (0.0035%); highest among the groups gnomAD compares: Middle Eastern, 0.017%; no homozygotes.

Submission:

Labcorp Genetics (formerly Invitae), Labcorp
Classification: Uncertain significance for D-2-hydroxyglutaric aciduria 1. Last evaluated: 2025-02-13. Review status: criteria provided, single submitter. Criteria: Invitae Variant Classification Sherloc (09022015). Collection method: clinical testing. Allele origin: germline.
Comment: This sequence change falls in intron 9 of the D2HGDH gene. It does not directly change the encoded amino acid sequence of the D2HGDH protein. It affects a nucleotide within the consensus splice site. This variant is present in population databases (rs761738669, gnomAD 0.007%). This variant has not been reported in the literature in individuals affected with D2HGDH-related conditions. Variants that disrupt the consensus splice site are a relatively common cause of aberrant splicing (PMID: 17576681, 9536098). Algorithms developed to predict the effect of sequence changes on RNA splicing suggest that this variant is not likely to affect RNA splicing. In summary, the available evidence is currently insufficient to determine the role of this variant in disease. Therefore, it has been classified as a Variant of Uncertain Significance.

Literature cited by the submitters: PubMed 17576681; PubMed 9536098.